The following is an entry in ClinVar:

NM_199242.3(UNC13D):c.1822del (p.Val608fs)

Gene: UNC13D (unc-13 homolog D; minus strand). Cytogenetic location: 17q25.1.
Variant type: Deletion.
Coding change: c.1822del on transcript NM_199242.3 (MANE Select); coding-DNA position 1822, one base deleted (G; older notation c.1822delG).
Protein change: p.Val608fs; shifts the reading frame from valine 608.
Molecular consequence: frameshift variant.
Genome position (GRCh38, 1-based): chr17:75,835,435, C deleted on the plus strand (G on the coding strand, the reverse complement: UNC13D is on the minus strand); the first of 3 consecutive C bases (chr17:75,835,435-75,835,437); deleting any one gives the same sequence. VCF-style (leftmost placement, unchanged base first): chr17-75835434-AC-A. GRCh37 (hg19) VCF-style: chr17-73831515-AC-A.
Other names: short protein forms V608fs.
Identifiers: ClinVar variation 4763891 (VCV004763891.1).
Genomic context (GRCh38, chr17:75,835,434, plus strand): 5'-CGGGGCCCCGCCCCCTGCCCTGGCCACGCCCCCACCTCATCCATCTGCACAGCGCGCTGC[AC>A]CCGCGCCAGGGCCTCGTTGTACGTCTTCTGCAGCCAGGAGGGGATGGCCGGCTGGAACCA-3'

ClinVar aggregate classification (germline): Pathogenic (1 of 4 stars; one submission).

Conditions:
Familial hemophagocytic lymphohistiocytosis 3 (FHL3). Also called: UNC13D-Related Familial Hemophagocytic Lymphohistiocytosis (UNC13D-fHLH). Identifiers: Orphanet 540, MedGen C1837174, MONDO:0012146, OMIM 608898.

Submission:

Labcorp Genetics (formerly Invitae), Labcorp
Classification: Pathogenic for Familial hemophagocytic lymphohistiocytosis 3. Last evaluated: 2025-06-14. Review status: criteria provided, single submitter. Criteria: Invitae Variant Classification Sherloc (09022015). Collection method: clinical testing. Allele origin: germline.
Comment: This sequence change creates a premature translational stop signal (p.Val608Cysfs*16) in the UNC13D gene. It is expected to result in an absent or disrupted protein product. Loss-of-function variants in UNC13D are known to be pathogenic (PMID: 14622600). This variant is not present in population databases (gnomAD no frequency). This premature translational stop signal has been observed in individual(s) with familial hemophagocytic lymphohistiocytosis (PMID: 33746956). For these reasons, this variant has been classified as Pathogenic.

Literature cited by the submitters: PubMed 14622600; PubMed 33746956.